The following is an entry in ClinVar:

ClinVar aggregate classification (germline): Uncertain significance. Review status: criteria provided, multiple submitters, no conflicts (2 of 4 stars). 3 submissions from 3 submitters: Uncertain significance (3). Last evaluated 2024-12-31.

Conditions:
Cardiovascular phenotype. Identifiers: MedGen CN230736.
Atrial fibrillation, familial, 14 (ATFB14). Identifiers: MedGen C3809312, MONDO:0014156, OMIM 615378.

Allele frequency attached by ClinVar (database versions not stated): ExAC 0.00001; gnomAD 0.00001; gnomAD exomes 0.00001; TOPMed 0.00001; ESP Exome Variant Server 0.00015.
gnomAD v4.1: 18 of 1,614,076 alleles (0.0011%); highest among the groups gnomAD compares: Non-Finnish European, 0.0015%; no homozygotes.

Submissions (3):

Ambry Genetics
Classification: Uncertain significance for Cardiovascular phenotype. Last evaluated: 2024-12-31. Review status: criteria provided, single submitter. Criteria: Ambry Variant Classification Scheme 2023. Collection method: clinical testing. Allele origin: germline.
Comment: The p.M79I variant (also known as c.237G>C), located in coding exon 2 of the SCN2B gene, results from a G to C substitution at nucleotide position 237. The methionine at codon 79 is replaced by isoleucine, an amino acid with highly similar properties. However, this change occurs in the last base pair of coding exon 2 and may have some effect on normal mRNA splicing. This nucleotide position is highly conserved in available vertebrate species. In silico splice site analysis predicts that this alteration will not have any significant effect on splicing. This amino acid position is not well conserved in available vertebrate species. In addition, as a missense substitution this is predicted to be tolerated by in silico analysis. Since supporting evidence is limited at this time, the clinical significance of this alteration remains unclear.

Fulgent Genetics
Classification: Uncertain significance for Atrial fibrillation, familial, 14. Last evaluated: 2021-10-01. Review status: criteria provided, single submitter. Criteria: ACMG Guidelines, 2015. Collection method: clinical testing. Allele origin: unknown.

Labcorp Genetics (formerly Invitae), Labcorp
Classification: Uncertain significance for Atrial fibrillation, familial, 14. Last evaluated: 2021-05-03. Review status: criteria provided, single submitter. Criteria: Invitae Variant Classification Sherloc (09022015). Collection method: clinical testing. Allele origin: germline.
Comment: In summary, the available evidence is currently insufficient to determine the role of this variant in disease. Therefore, it has been classified as a Variant of Uncertain Significance. Algorithms developed to predict the effect of sequence changes on RNA splicing suggest that this variant may disrupt the consensus splice site, but this prediction has not been confirmed by published transcriptional studies. Algorithms developed to predict the effect of missense changes on protein structure and function (SIFT, PolyPhen-2, Align-GVGD) all suggest that this variant is likely to be tolerated, but these predictions have not been confirmed by published functional studies and their clinical significance is uncertain. This variant has not been reported in the literature in individuals with SCN2B-related conditions. This variant is present in population databases (rs142643516, ExAC 0.001%). This sequence change replaces methionine with isoleucine at codon 79 of the SCN2B protein (p.Met79Ile). The methionine residue is highly conserved and there is a small physicochemical difference between methionine and isoleucine.

NM_004588.5(SCN2B):c.237G>C (p.Met79Ile)

Gene: SCN2B (sodium voltage-gated channel beta subunit 2; minus strand). Cytogenetic location: 11q23.3.
Variant type: single nucleotide variant.
Coding change: c.237G>C on transcript NM_004588.5 (MANE Select); coding-DNA position 237, G replaced by C.
Protein change: p.Met79Ile; replaces methionine 79 with isoleucine.
Molecular consequence: missense variant.
Genome position (GRCh38, 1-based): chr11:118,168,585, C>G on the plus strand (G>C on the coding strand, the complement: SCN2B is on the minus strand). VCF-style: chr11-118168585-C-G. GRCh37 (hg19) VCF-style: chr11-118039300-C-G.
Other names: short protein forms M79I.
Identifiers: ClinVar variation 1022738 (VCV001022738.12), dbSNP rs142643516, ClinGen allele CA6300507.
Genomic context (GRCh38, chr11:118,168,585, plus strand): 5'-GGCTTCATGCCATGGGGCTCCTACCTCCTCCCCTGCCCCTGCCTTCAGCCCAGGACTCAC[C>G]ATCTCCTCAGAGCAGTTGTTGCACTCCTGGTAAGTCCAGTTCAGGGAGAACTGTTTGTGG-3'
Protein context (NP_004579.1, residues 69-89): YQECNNCSEE[Met79Ile]FLQFRMKIIN